The following is an entry in ClinVar:

NM_004360.5(CDH1):c.2415T>C (p.Asp805=)

Gene: CDH1 (cadherin 1; plus strand). Cytogenetic location: 16q22.1.
Variant type: single nucleotide variant.
Coding change: c.2415T>C on transcript NM_004360.5 (MANE Select); coding-DNA position 2415, T replaced by C.
Protein change: p.Asp805=; no amino-acid change (aspartic acid 805 retained).
Molecular consequence: synonymous variant.
Genome position (GRCh38, 1-based): chr16:68,829,773, T>C. VCF-style: chr16-68829773-T-C. GRCh37 (hg19) VCF-style: chr16-68863676-T-C.
Other names: c.2232T>C, p.Asp744= (NM_001317184.2); c.867T>C, p.Asp289= (NM_001317185.2); c.450T>C, p.Asp150= (NM_001317186.2).
Identifiers: ClinVar variation 1802898 (VCV001802898.7), dbSNP rs2152142443, ClinGen allele CA496157514.

ClinVar aggregate classification (germline): Benign/Likely benign. Review status: criteria provided, multiple submitters, no conflicts (2 of 4 stars). 3 submissions from 3 submitters: Benign (1); Likely benign (2). Last evaluated 2025-09-19.

Conditions:
Hereditary diffuse gastric adenocarcinoma (HDGC). Also called: DIFFUSE GASTRIC AND LOBULAR BREAST CANCER SYNDROME. Identifiers: Orphanet 26106, MedGen C1708349, MONDO:0007648, OMIM 137215.
Hereditary cancer-predisposing syndrome. Also called: Neoplastic Syndromes, Hereditary; Tumor predisposition; Hereditary neoplastic syndrome; Hereditary Cancer Syndrome. Identifiers: Orphanet 140162, MedGen C0027672, MeSH D009386, MONDO:0015356.

Allele frequency attached by ClinVar (database versions not stated): gnomAD exomes below 0.00001.
gnomAD v4.1: 1 of 1,614,022 alleles (0.000062%); highest among the groups gnomAD compares: Non-Finnish European, 0.000085%; no homozygotes.

Submissions (3):

Ambry Genetics
Classification: Likely benign for Hereditary cancer-predisposing syndrome. Last evaluated: 2025-09-19. Review status: criteria provided, single submitter. Criteria: Ambry Variant Classification Scheme 2023. Collection method: clinical testing. Allele origin: germline.

Center for Genomic Medicine, Rigshospitalet, Copenhagen University Hospital
Classification: Likely benign. Last evaluated: 2025-03-04. Review status: criteria provided, single submitter. Criteria: ACMG Guidelines, 2015. Collection method: clinical testing. Allele origin: germline.

Myriad Genetics, Inc.
Classification: Benign for Hereditary diffuse gastric adenocarcinoma. Last evaluated: 2024-09-23. Review status: criteria provided, single submitter. Criteria: Myriad Autosomal Dominant, Autosomal Recessive and X-Linked Classification Criteria (2023). Collection method: clinical testing. Allele origin: unknown.
Comment: This variant is considered benign. This variant is a silent/synonymous amino acid change and it is not expected to impact splicing.